The following is an entry in ClinVar:

NM_018979.4(WNK1):c.353A>G (p.Glu118Gly)

Gene: WNK1 (WNK lysine deficient protein kinase 1; plus strand). Cytogenetic location: 12p13.33.
Variant type: single nucleotide variant.
Coding change: c.353A>G on transcript NM_018979.4 (MANE Select); coding-DNA position 353, A replaced by G.
Protein change: p.Glu118Gly; replaces glutamic acid 118 with glycine.
Molecular consequence: missense variant.
Genome position (GRCh38, 1-based): chr12:753,918, A>G. VCF-style: chr12-753918-A-G. GRCh37 (hg19) VCF-style: chr12-863084-A-G.
Other names: c.353A>G, p.Glu118Gly (NM_001184985.2, NM_014823.3, NM_213655.5); short protein forms E118G.
Identifiers: ClinVar variation 2949292 (VCV002949292.3), dbSNP rs1939566662, ClinGen allele CA383305876.

ClinVar aggregate classification (germline): Uncertain significance (1 of 4 stars; one submission).

Conditions:
Neuropathy, hereditary sensory and autonomic, type 2A (HSAN2A). Also called: HSAN IIA; WNK1-Related HSAN2 (HSAN2A); ACROOSTEOLYSIS, GIACCAI TYPE; ACROOSTEOLYSIS, NEUROGENIC; MORVAN DISEASE; NEUROPATHY, CONGENITAL SENSORY. Identifiers: Orphanet 970, MedGen C2752089, MONDO:0024309, OMIM 201300.
Pseudohypoaldosteronism type 2C (PHA2C). Also called: Pseudohypoaldosteronism Type IIC. Identifiers: Orphanet 757, Orphanet 88940, MedGen C1840391, MONDO:0013778, OMIM 614492.

Allele frequency attached by ClinVar (database versions not stated): gnomAD 0.00001; TOPMed 0.00001.
gnomAD v4.1: 1 of 1,608,818 alleles (0.000062%); highest among the groups gnomAD compares: African/African-American, 0.0013%; no homozygotes.

Submission:

Labcorp Genetics (formerly Invitae), Labcorp
Classification: Uncertain significance for Neuropathy, hereditary sensory and autonomic, type 2A; Pseudohypoaldosteronism type 2C. Last evaluated: 2023-06-25. Review status: criteria provided, single submitter. Criteria: Invitae Variant Classification Sherloc (09022015). Collection method: clinical testing. Allele origin: germline.
Comment: This sequence change replaces glutamic acid, which is acidic and polar, with glycine, which is neutral and non-polar, at codon 118 of the WNK1 protein (p.Glu118Gly). This variant is not present in population databases (gnomAD no frequency). This variant has not been reported in the literature in individuals affected with WNK1-related conditions. In summary, the available evidence is currently insufficient to determine the role of this variant in disease. Therefore, it has been classified as a Variant of Uncertain Significance. Advanced modeling of protein sequence and biophysical properties (such as structural, functional, and spatial information, amino acid conservation, physicochemical variation, residue mobility, and thermodynamic stability) performed at Invitae indicates that this missense variant is not expected to disrupt WNK1 protein function.